The following is an entry in ClinVar:

ClinVar aggregate classification (germline): Uncertain significance (1 of 4 stars; one submission).

Submission:

Ambry Genetics
Classification: Uncertain significance. Last evaluated: 2024-02-29. Review status: criteria provided, single submitter. Criteria: Ambry Variant Classification Scheme 2023. Collection method: clinical testing. Allele origin: germline.
Comment: The p.E143D variant (also known as c.429G>C), located in coding exon 1 of the EGLN1 gene, results from a G to C substitution at nucleotide position 429. The glutamic acid at codon 143 is replaced by aspartic acid, an amino acid with highly similar properties. This amino acid position is conserved. In addition, this alteration is predicted to be tolerated by in silico analysis. Based on the available evidence, the clinical significance of this alteration remains unclear.

NM_022051.3(EGLN1):c.429G>C (p.Glu143Asp)

Gene: EGLN1 (egl-9 family hypoxia inducible factor 1; minus strand). Cytogenetic location: 1q42.2.
Variant type: single nucleotide variant.
Coding change: c.429G>C on transcript NM_022051.3 (MANE Select); coding-DNA position 429, G replaced by C.
Protein change: p.Glu143Asp; replaces glutamic acid 143 with aspartic acid.
Molecular consequence: missense variant.
Genome position (GRCh38, 1-based): chr1:231,421,460, C>G on the plus strand (G>C on the coding strand, the complement: EGLN1 is on the minus strand). VCF-style: chr1-231421460-C-G. GRCh37 (hg19) VCF-style: chr1-231557206-C-G.
Other names: c.429G>C, p.Glu143Asp (NM_001377260.1, NM_001377261.1); short protein forms E143D.
Identifiers: ClinVar variation 3227716 (VCV003227716.1), dbSNP rs1384003338, ClinGen allele CA345237074.